The following is an entry in ClinVar:

ClinVar aggregate classification (germline): Conflicting classifications of pathogenicity. Review status: criteria provided, conflicting classifications (1 of 4 stars). 2 submissions from 2 submitters: Uncertain significance (1); Likely benign (1). Last evaluated 2023-03-23.

Conditions:
Hereditary breast ovarian cancer syndrome. Also called: Hereditary breast and ovarian cancer syndrome (HBOC); Hereditary breast and ovarian cancer; Hereditary breast and/or ovarian cancer syndrome; Hereditary breast and ovarian cancer syndrome; Breast and ovarian cancer; BRCA1- and BRCA2-Associated Hereditary Breast and Ovarian Cancer. Identifiers: Orphanet 145, MedGen C0677776, MeSH D061325, MONDO:0003582. Disease mechanism: loss of function.
Hereditary cancer-predisposing syndrome. Also called: Neoplastic Syndromes, Hereditary; Tumor predisposition; Hereditary neoplastic syndrome; Hereditary Cancer Syndrome. Identifiers: Orphanet 140162, MedGen C0027672, MeSH D009386, MONDO:0015356.

Submissions (2):

University of Washington Department of Laboratory Medicine, University of Washington
Classification: Likely benign for Hereditary cancer-predisposing syndrome. Last evaluated: 2023-03-23. Review status: criteria provided, single submitter. Criteria: Dines et al. (Genet Med. 2020). Collection method: curation. Allele origin: germline.
Comment: Missense variant in a coldspot region where missense variants are very unlikely to be pathogenic (PMID:31911673).

BRCA2 exon 11 coldspot. Reclassification based on statistical prior probability.

Labcorp Genetics (formerly Invitae), Labcorp
Classification: Uncertain significance for Hereditary breast ovarian cancer syndrome. Last evaluated: 2022-07-08. Review status: criteria provided, single submitter. Criteria: Invitae Variant Classification Sherloc (09022015). Collection method: clinical testing. Allele origin: germline.
Comment: In summary, the available evidence is currently insufficient to determine the role of this variant in disease. Therefore, it has been classified as a Variant of Uncertain Significance. Advanced modeling of protein sequence and biophysical properties (such as structural, functional, and spatial information, amino acid conservation, physicochemical variation, residue mobility, and thermodynamic stability) performed at Invitae indicates that this missense variant is not expected to disrupt BRCA2 protein function. ClinVar contains an entry for this variant (Variation ID: 838431). This variant has not been reported in the literature in individuals affected with BRCA2-related conditions. This variant is not present in population databases (gnomAD no frequency). This sequence change replaces lysine, which is basic and polar, with threonine, which is neutral and polar, at codon 1226 of the BRCA2 protein (p.Lys1226Thr).

NM_000059.4(BRCA2):c.3677A>C (p.Lys1226Thr)

Gene: BRCA2 (BRCA2 DNA repair associated; plus strand). Cytogenetic location: 13q13.1.
Variant type: single nucleotide variant.
Coding change: c.3677A>C on transcript NM_000059.4 (MANE Select); coding-DNA position 3677, A replaced by C.
Protein change: p.Lys1226Thr; replaces lysine 1226 with threonine.
Molecular consequence: missense variant.
Genome position (GRCh38, 1-based): chr13:32,338,032, A>C. VCF-style: chr13-32338032-A-C. GRCh37 (hg19) VCF-style: chr13-32912169-A-C.
Other names: short protein forms K1226T.
Identifiers: ClinVar variation 838431 (VCV000838431.15), dbSNP rs80358612, ClinGen allele CA387778003.
Genomic context (GRCh38, chr13:32,338,032, plus strand): 5'-GTTATTTAACAGATGAAAATGAAGTGGGGTTTAGGGGCTTTTATTCTGCTCATGGCACAA[A>C]ACTGAATGTTTCTACTGAAGCTCTGCAAAAAGCTGTGAAACTGTTTAGTGATATTGAGAA-3'
Protein context (NP_000050.3, residues 1216-1236): FRGFYSAHGT[Lys1226Thr]LNVSTEALQK